The following is an entry in ClinVar:

NM_001130987.2(DYSF):c.3180G>A (p.Trp1060Ter)

Gene: DYSF (dysferlin; plus strand). Cytogenetic location: 2p13.2.
Variant type: single nucleotide variant.
Coding change: c.3180G>A on transcript NM_001130987.2 (MANE Select); coding-DNA position 3180, G replaced by A.
Protein change: p.Trp1060Ter; replaces tryptophan 1060 with a stop codon.
Molecular consequence: nonsense.
Genome position (GRCh38, 1-based): chr2:71,570,693, G>A. VCF-style: chr2-71570693-G-A. GRCh37 (hg19) VCF-style: chr2-71797823-G-A.
Other names: NM_001130987.2(DYSF):c.3180G>A; p.Trp1060Ter; c.3129G>A, p.Trp1043Ter (NM_001130455.2, NM_001130983.2); c.3084G>A, p.Trp1028Ter (NM_001130976.2, NM_001130977.2); c.3126G>A, p.Trp1042Ter (NM_001130978.2, NM_003494.4); c.3219G>A, p.Trp1073Ter (NM_001130979.2); c.3177G>A, p.Trp1059Ter (NM_001130980.2, NM_001130981.2); c.3222G>A, p.Trp1074Ter (NM_001130982.2); and 2 more; short protein forms W1028*, W1029*, W1042*, W1043*, W1059*, W1060*, W1073*, W1074*.
Identifiers: ClinVar variation 1803708 (VCV001803708.5), dbSNP rs1559186257, ClinGen allele CA347217077.

ClinVar aggregate classification (germline): Pathogenic. Review status: reviewed by expert panel (3 of 4 stars). 2 submissions from 2 submitters: Pathogenic (1). 1 of the submissions does not count toward it. Last evaluated 2025-01-08.

Conditions:
Autosomal recessive limb-girdle muscular dystrophy. Identifiers: Orphanet 102015, MedGen C2931907, MONDO:0015152.
DYSF-related disorder. Also called: DYSF-related disorders; DYSF-related condition.

Submissions (2):

ClinGen Limb Girdle Muscular Dystrophy Variant Curation Expert Panel, ClinGen
Classification: Pathogenic for Autosomal recessive limb-girdle muscular dystrophy. Last evaluated: 2025-01-08. Review status: reviewed by expert panel. Criteria: ClinGen LGMD VCEP ACMG Specifications DYSF V1.0.0. Collection method: curation. Allele origin: germline. Inheritance: Autosomal recessive inheritance.
Comment: The NM_003494.4: c.3126G>A p.(Trp1042Ter) variant in DYSF, which is also known as NM_001130987.2: c.3180G>A p.(Trp1060Ter) or p.(Trp1060del), is a nonsense variant predicted to cause a premature stop codon in biologically relevant exon 29/55, leading to nonsense mediated decay in a gene in which loss of function is an established disease mechanism (PVS1). This variant has been identified in at least two unrelated individuals with clinical signs of LGMD (PMID: 18853459, ClinVar SCV002762694.1 internal data communication), including confirmed in trans with a pathogenic variant (c.855+1del, 1.0 pt, PMID: 18853459) (PM3). At least one individual with the variant displayed progressive limb girdle muscle weakness and absent dysferlin protein expression, which is highly specific for DYSF-associated LGMD (PP4_Strong). This variant is absent from gnomAD v2.1.1 and v3.1.2 (PM2_Supporting). In summary, this variant meets the criteria to be classified as Pathogenic for autosomal recessive limb girdle muscular dystrophy based on the ACMG/AMP criteria applied, as specified by the ClinGen LGMD VCEP (LGMD VCEP specifications version 1.0.0; 01/08/2025): PVS1, PM3, PP4_Strong, PM2_Supporting.

Illumina Laboratory Services, Illumina
Classification: Pathogenic. Last evaluated: 2022-05-06. Review status: criteria provided, single submitter. Criteria: ICSLVariantClassificationCriteria RUGD 01 April 2020. Collection method: clinical testing. Allele origin: unknown. Not counted in ClinVar's aggregate classification.
Comment: The DYSF c.3180G>A (p.Trp1060Ter) nonsense variant results in the substitution of tryptophan at amino acid position 1060 with a stop codon. Loss of normal protein function through either protein truncation or nonsense-mediated mRNA decay is expected. To our knowledge, this variant has not been reported in the peer-reviewed literature. This variant is not found in version 2.1.1 or version 3.1.2 of the Genome Aggregation Database. Based on the available evidence, the c.3180G>A (p.Trp1060Ter) variant is classified as pathogenic for dysferlinopathy.